The following is an entry in ClinVar:

ClinVar aggregate classification (germline): Likely benign (1 of 4 stars; one submission).

Conditions:
Familial intrahepatic cholestasis. Identifiers: Orphanet 284385, MedGen CN296401, MONDO:0017290.
Low phospholipid associated cholelithiasis (GBD1). Also called: Gallbladder disease 1; Gallstone cholecystitis. Identifiers: Orphanet 69663, MedGen C2609268, MONDO:0010939, OMIM 600803.

Submission:

Genomenon, Inc
Classification: Likely benign for Familial intrahepatic cholestasis; Low phospholipid associated cholelithiasis. Last evaluated: 2026-04-14. Review status: criteria provided, single submitter. Criteria: Genomenon Sequence Variant Interpretation Standards - Updated. Collection method: curation. Allele origin: germline. Affected: no.
Comment: ABCB4 c.1374G>A is a synonymous variant that retains Glutamine at residue 458. This variant has been reported in the published literature (PMID:30079523). It is absent or not present at a significant frequency in gnomAD. This synonymous variant is not predicted to impact splicing. In conclusion, we classify ABCB4 p.Gln458= (c.1374G>A) as a likely benign variant.

Literature cited by the submitters: PubMed 30079523.

NM_000443.4(ABCB4):c.1374G>A (p.Gln458=)

Gene: ABCB4 (ATP binding cassette subfamily B member 4; minus strand). Cytogenetic location: 7q21.12.
Variant type: single nucleotide variant.
Coding change: c.1374G>A on transcript NM_000443.4 (MANE Select); coding-DNA position 1374, G replaced by A.
Protein change: p.Gln458=; no amino-acid change (glutamine 458 retained).
Molecular consequence: synonymous variant.
Genome position (GRCh38, 1-based): chr7:87,440,385, C>T on the plus strand (G>A on the coding strand, the complement: ABCB4 is on the minus strand). VCF-style: chr7-87440385-C-T. GRCh37 (hg19) VCF-style: chr7-87069701-C-T.
Other names: c.1374G>A, p.Gln458= (NM_018849.3, NM_018850.3).
Identifiers: ClinVar variation 4846585 (VCV004846585.1), dbSNP rs267601610.